The following is an entry in ClinVar:

GRCh37/hg19 15q11.1-13.1(chr15:20102541-28535051)x4

Genes: PWRN2 (Prader-Willi region non-protein coding RNA 2; minus strand), SNORD115-1 (small nucleolar RNA, C/D box 115-1; plus strand), SNORD116-1 (small nucleolar RNA, C/D box 116-1; plus strand), GABRA5 (gamma-aminobutyric acid type A receptor subunit alpha5; plus strand), GOLGA8M (golgin A8 family member M; minus strand) and 30 more. Cytogenetic location: 15q11.1-13.1.
Variant type: copy number gain.
Change: copy number 4 of chr15:20,102,541-28,535,051 (8.43 Mb, GRCh37 coordinates, 1-based), cytogenetic band 15q11.1-13.1.
Identifiers: ClinVar variation 617598 (VCV000617598.3).

ClinVar aggregate classification (germline): Pathogenic (0 of 4 stars; one submission).

Submission:

Institute of Human Genetics, University of Goettingen
Classification: Pathogenic. Last evaluated: 2018-09-06. Review status: no assertion criteria provided. Collection method: clinical testing. Allele origin: unknown. Affected: yes. Observed: 1 variant allele.
Comment: triplication of 15q11.1q13.1 is described as inv dup(15) syndrome with early hypotonia, developmental delay, epilepsy and autistic behaviour (Chen et al., Taiwan J Obstet Gynecol. 2016 and Battaglia et al., Orphanet J Rare Dis. 2008)